The following is an entry in ClinVar:

NM_000535.7(PMS2):c.1051T>C (p.Leu351=)

Gene: PMS2 (PMS1 homolog 2, mismatch repair system component; minus strand). Cytogenetic location: 7p22.1.
Variant type: single nucleotide variant.
Coding change: c.1051T>C on transcript NM_000535.7 (MANE Select); coding-DNA position 1051, T replaced by C.
Protein change: p.Leu351=; no amino-acid change (leucine 351 retained).
Molecular consequence: synonymous variant. On other transcripts: non-coding transcript variant (1), intron variant (2).
Genome position (GRCh38, 1-based): chr7:5,989,893, A>G on the plus strand (T>C on the coding strand, the complement: PMS2 is on the minus strand). VCF-style: chr7-5989893-A-G. GRCh37 (hg19) VCF-style: chr7-6029524-A-G.
Other names: c.646T>C, p.Leu216= (NM_001322003.2, NM_001322004.2, NM_001322005.2 and 1 more transcripts); c.733T>C, p.Leu245= (NM_001322007.2, NM_001322008.2); c.118T>C, p.Leu40= (NM_001322011.2, NM_001322012.2); c.478T>C, p.Leu160= (NM_001322013.2); c.1051T>C, p.Leu351= (NM_001322014.2); c.742T>C, p.Leu248= (NM_001322015.2); c.583+2080T>C (NM_001322010.2); c.988+2080T>C (NM_001322006.2).
Identifiers: ClinVar variation 455636 (VCV000455636.17), dbSNP rs1554298759, ClinGen allele CA453644177.

ClinVar aggregate classification (germline): Benign/Likely benign. Review status: criteria provided, multiple submitters, no conflicts (2 of 4 stars). 7 submissions from 7 submitters: Benign (1); Likely benign (6). Last evaluated 2026-01-05.

Conditions:
Lynch syndrome 4 (LYNCH4). Also called: Colorectal cancer, hereditary nonpolyposis, type 4; Hereditary non-polyposis colorectal cancer, type 4. Identifiers: Orphanet 144, MedGen C1838333, MONDO:0013699, OMIM 614337. Disease mechanism: loss of function.
Mismatch repair cancer syndrome 4. Identifiers: MedGen C5436817, MONDO:0030843, OMIM 619101.
Hereditary nonpolyposis colorectal neoplasms. Identifiers: MedGen C0009405, MeSH D003123.
Hereditary cancer-predisposing syndrome. Also called: Hereditary Cancer Syndrome; Hereditary neoplastic syndrome; Neoplastic Syndromes, Hereditary; Tumor predisposition. Identifiers: Orphanet 140162, MedGen C0027672, MeSH D009386, MONDO:0015356.
Lynch syndrome. Identifiers: Orphanet 144, MedGen C4552100, MONDO:0005835. Disease mechanism: loss of function.

Allele frequency attached by ClinVar (database versions not stated): gnomAD exomes below 0.00001.
gnomAD v4.1: 1 of 1,612,508 alleles (0.000062%); highest among the groups gnomAD compares: Non-Finnish European, 0.000085%; no homozygotes.

Submissions (7):

Labcorp Genetics (formerly Invitae), Labcorp
Classification: Likely benign for Hereditary nonpolyposis colorectal neoplasms. Last evaluated: 2026-01-05. Review status: criteria provided, single submitter. Criteria: Invitae Variant Classification Sherloc (09022015). Collection method: clinical testing. Allele origin: germline.

Myriad Genetics, Inc.
Classification: Benign for Lynch syndrome 4. Last evaluated: 2025-01-29. Review status: criteria provided, single submitter. Criteria: Myriad Autosomal Dominant, Autosomal Recessive and X-Linked Classification Criteria (2023). Collection method: clinical testing. Allele origin: unknown.
Comment: This variant is considered benign. This variant is a silent/synonymous amino acid change and it is not expected to impact splicing.

Women's Health and Genetics/Laboratory Corporation of America, LabCorp
Classification: Likely benign. Last evaluated: 2024-08-30. Review status: criteria provided, single submitter. Criteria: LabCorp Variant Classification Summary - May 2015. Collection method: clinical testing. Allele origin: germline.

All of Us Research Program, National Institutes of Health
Classification: Likely benign for Lynch syndrome. Last evaluated: 2023-10-02. Review status: criteria provided, single submitter. Criteria: ACMG Guidelines, 2015. Collection method: clinical testing. Allele origin: germline. Inheritance: Autosomal dominant inheritance. Observed: 1 variant allele, 1 heterozygote.
Comment: This study involves interpretation of variants in research participants for the purpose of population health screening. Participant phenotype was not available at the time of variant classification. Additional details can be found in publication PMID: 35346344, PMCID: PMC8962531

Department of Pathology and Laboratory Medicine, Sinai Health System
Classification: Likely benign for Lynch syndrome 4; Mismatch repair cancer syndrome 4. Last evaluated: 2023-06-14. Review status: criteria provided, single submitter. Criteria: ACMG Guidelines, 2015. Collection method: clinical testing. Allele origin: germline. Affected: no.

Ambry Genetics
Classification: Likely benign for Hereditary cancer-predisposing syndrome. Last evaluated: 2019-03-13. Review status: criteria provided, single submitter. Criteria: Ambry Variant Classification Scheme 2023. Collection method: clinical testing. Allele origin: germline.

Color Diagnostics, LLC DBA Color Health
Classification: Likely benign for Hereditary cancer-predisposing syndrome. Last evaluated: 2018-11-26. Review status: criteria provided, single submitter. Criteria: ACMG Guidelines, 2015. Collection method: clinical testing. Allele origin: germline.